The following is an entry in ClinVar:

NM_001382391.1(CSPP1):c.3472dup (p.Asp1158fs)

Genes: ARFGEF1 (ARF guanine nucleotide exchange factor 1; minus strand), CSPP1 (centrosome and spindle pole associated protein 1; plus strand). Cytogenetic location: 8q13.2.
Variant type: Duplication.
Coding change: c.3472dup on transcript NM_001382391.1 (MANE Select); coding-DNA position 3472, one base duplicated (G; older notation c.3472dupG).
Protein change: p.Asp1158fs; shifts the reading frame from aspartic acid 1158.
Molecular consequence: frameshift variant. On other transcripts: intron variant (2).
Genome position (GRCh38, 1-based): chr8:67,195,384, G duplicated. VCF-style (leftmost placement, unchanged base first): chr8-67195383-T-TG. GRCh37 (hg19) VCF-style: chr8-68107618-T-TG.
Other names: c.2422dup, p.Asp808fs (NM_001291339.2); c.3391dup, p.Asp1131fs (NM_001363131.2); c.3277dup, p.Asp1093fs (NM_001363132.2); c.3196dup, p.Asp1066fs (NM_001363133.2); c.3538dup, p.Asp1180fs (NM_001364869.1); c.3358dup, p.Asp1120fs (NM_001364870.1); c.3304dup, p.Asp1102fs (NM_001438330.1); c.3318dup, p.Met1107fs (NM_001438331.1); and 4 more; short protein forms D1066fs, D1093fs, D1120fs, D1131fs, D1153fs, D1158fs, D1180fs, D808fs.
Identifiers: ClinVar variation 1023774 (VCV001023774.5), dbSNP rs760082779, ClinGen allele CA4771196.

ClinVar aggregate classification (germline): Uncertain significance (1 of 4 stars; one submission).

Conditions:
Joubert syndrome 21 (JBTS21). Identifiers: MedGen C3810212, MONDO:0014288, OMIM 615636.

Allele frequency attached by ClinVar (database versions not stated): TOPMed below 0.00001; ExAC 0.00001; gnomAD exomes below 0.00001.

Submission:

Labcorp Genetics (formerly Invitae), Labcorp
Classification: Uncertain significance for Joubert syndrome 21. Last evaluated: 2025-05-29. Review status: criteria provided, single submitter. Criteria: Invitae Variant Classification Sherloc (09022015). Collection method: clinical testing. Allele origin: germline.
Comment: This sequence change creates a premature translational stop signal (p.Asp1153Glyfs*2) in the CSPP1 gene. While this is not anticipated to result in nonsense mediated decay, it is expected to disrupt the last 69 amino acid(s) of the CSPP1 protein. This variant is present in population databases (rs760082779, gnomAD 0.0009%). This variant has not been reported in the literature in individuals affected with CSPP1-related conditions. ClinVar contains an entry for this variant (Variation ID: 1023774). Experimental studies and prediction algorithms are not available or were not evaluated, and the functional significance of this variant is currently unknown. In summary, the available evidence is currently insufficient to determine the role of this variant in disease. Therefore, it has been classified as a Variant of Uncertain Significance.